The following is an entry in ClinVar:

ClinVar aggregate classification (germline): Uncertain significance (1 of 4 stars; one submission).

Conditions:
Charcot-Marie-Tooth disease type 2. Also called: Charcot-Marie-Tooth type 2. Identifiers: Orphanet 64746, MedGen C0270914, MONDO:0018993.

Submission:

Labcorp Genetics (formerly Invitae), Labcorp
Classification: Uncertain significance for Charcot-Marie-Tooth disease type 2. Last evaluated: 2021-11-14. Review status: criteria provided, single submitter. Criteria: Invitae Variant Classification Sherloc (09022015). Collection method: clinical testing. Allele origin: germline.
Comment: In summary, the available evidence is currently insufficient to determine the role of this variant in disease. Therefore, it has been classified as a Variant of Uncertain Significance. This variant has not been reported in the literature in individuals affected with MED25-related conditions. This variant is not present in population databases (gnomAD no frequency). This sequence change creates a premature translational stop signal (p.Phe47Trpfs*6) in the MED25 gene. It is expected to result in an absent or disrupted protein product. However, the current clinical and genetic evidence is not sufficient to establish whether loss-of-function variants in MED25 cause disease.

NM_030973.4(MED25):c.140_144del (p.Phe47fs)

Gene: MED25 (mediator complex subunit 25; plus strand). Cytogenetic location: 19q13.33.
Variant type: Deletion.
Coding change: c.140_144del on transcript NM_030973.4 (MANE Select); coding-DNA positions 140 to 144, 5 bases deleted (TTAAT; older notation c.140_144delTTAAT).
Protein change: p.Phe47fs; shifts the reading frame from phenylalanine 47.
Molecular consequence: frameshift variant.
Genome position (GRCh38, 1-based): chr19:49,818,576-49,818,580, TTAAT deleted; deleting any 5 consecutive bases within chr19:49,818,575-49,818,580 gives the same sequence; the c. name uses the placement nearest the transcript's 3' end. VCF-style (leftmost placement, unchanged base first): chr19-49818574-TTTTAA-T. GRCh37 (hg19) VCF-style: chr19-50321831-TTTTAA-T.
Other names: c.140_144del, p.Phe47fs (NM_001378355.1); short protein forms F47fs.
Identifiers: ClinVar variation 1489117 (VCV001489117.6), dbSNP rs2123860743, ClinGen allele CA2573156601.